The following is an entry in ClinVar:

ClinVar aggregate classification (germline): Likely pathogenic (1 of 4 stars; one submission).

Conditions:
Coffin-Siris syndrome 1 (CSS1). Also called: ARID1B-Related Coffin-Siris Syndrome; Mental retardation, autosomal dominant 12. Identifiers: Orphanet 1465, MedGen C3281201, MONDO:0007617, OMIM 135900. Disease mechanism: gain of function.

Submission:

Laboratorio de Genetica e Diagnostico Molecular, Hospital Israelita Albert Einstein
Classification: Likely pathogenic for Coffin-Siris syndrome 1. Last evaluated: 2025-06-15. Review status: criteria provided, single submitter. Criteria: ACMG Guidelines, 2015. Collection method: clinical testing. Allele origin: germline. Affected: yes.
Comment: ACMG classification criteria: PVS1 very strong, PM2 supporting

NM_001374828.1(ARID1B):c.2730C>A (p.Tyr910Ter)

Gene: ARID1B (AT-rich interaction domain 1B; plus strand). Cytogenetic location: 6q25.3.
Variant type: single nucleotide variant.
Coding change: c.2730C>A on transcript NM_001374828.1 (MANE Select); coding-DNA position 2730, C replaced by A.
Protein change: p.Tyr910Ter; replaces tyrosine 910 with a stop codon.
Molecular consequence: nonsense. On other transcripts: intron variant (1).
Genome position (GRCh38, 1-based): chr6:157,133,176, C>A. VCF-style: chr6-157133176-C-A. GRCh37 (hg19) VCF-style: chr6-157454310-C-A.
Other names: c.231C>A, p.Tyr77Ter (NM_001363725.2, NM_001438488.1); c.2769C>A, p.Tyr923Ter (NM_001371656.1, NM_001374820.1); c.2730C>A, p.Tyr910Ter (NM_001438482.1, NM_017519.3); c.2772C>A, p.Tyr924Ter (NM_001438483.1, NM_001438486.1); c.2640C>A, p.Tyr880Ter (NM_001438485.1); c.2582-15448C>A (NM_001438487.1); short protein forms Y77*, Y880*, Y910*, Y923*, Y924*.
Identifiers: ClinVar variation 4846886 (VCV004846886.1).